The following is an entry in ClinVar:

NM_005902.4(SMAD3):c.1179dup (p.Cys394fs)

Gene: SMAD3 (SMAD family member 3; plus strand). Cytogenetic location: 15q22.33.
Variant type: Duplication.
Coding change: c.1179dup on transcript NM_005902.4 (MANE Select); coding-DNA position 1179, one base duplicated (C; older notation c.1179dupC).
Protein change: p.Cys394fs; shifts the reading frame from cysteine 394.
Molecular consequence: frameshift variant.
Genome position (GRCh38, 1-based): chr15:67,190,437, C duplicated; the last of 5 consecutive C bases (chr15:67,190,433-67,190,437); duplicating any one gives the same sequence. VCF-style (leftmost placement, unchanged base first): chr15-67190432-A-AC. GRCh37 (hg19) VCF-style: chr15-67482770-A-AC.
Other names: c.1179dupC (NM_005902.3); c.864dup, p.Cys289fs (NM_001145102.2); c.1047dup, p.Cys350fs (NM_001145103.2); c.594dup, p.Cys199fs (NM_001145104.2); short protein forms C350fs, C199fs, C289fs, C394fs.
Identifiers: ClinVar variation 653070 (VCV000653070.11), dbSNP rs1595965945, ClinGen allele CA913188687.

ClinVar aggregate classification (germline): Pathogenic/Likely pathogenic. Review status: criteria provided, multiple submitters, no conflicts (2 of 4 stars). 2 submissions from 2 submitters: Pathogenic (1); Likely pathogenic (1). Last evaluated 2025-02-18.

Conditions:
Familial thoracic aortic aneurysm and aortic dissection (TAAD). Also called: Thoracic aortic aneurysms and dissections. Identifiers: Orphanet 91387, MedGen C4707243, MONDO:0019625.

Submissions (2):

Labcorp Genetics (formerly Invitae), Labcorp
Classification: Pathogenic for Familial thoracic aortic aneurysm and aortic dissection. Last evaluated: 2025-02-18. Review status: criteria provided, single submitter. Criteria: Invitae Variant Classification Sherloc (09022015). Collection method: clinical testing. Allele origin: germline.
Comment: This sequence change creates a premature translational stop signal (p.Cys394Leufs*4) in the SMAD3 gene. While this is not anticipated to result in nonsense mediated decay, it is expected to disrupt the last 32 amino acid(s) of the SMAD3 protein. This variant is not present in population databases (gnomAD no frequency). This premature translational stop signal has been observed in individual(s) with clinical features of SMAD3-related conditions (PMID: 24804794, 33125268). ClinVar contains an entry for this variant (Variation ID: 653070). This variant disrupts a region of the SMAD3 protein in which other variant(s) (p.Ser425Cys) have been determined to be pathogenic (PMID: 23139211; internal data). This suggests that this is a clinically significant region of the protein, and that variants that disrupt it are likely to be disease-causing. For these reasons, this variant has been classified as Pathogenic.

Ambry Genetics
Classification: Likely pathogenic for Familial thoracic aortic aneurysm and aortic dissection. Last evaluated: 2024-05-10. Review status: criteria provided, single submitter. Criteria: Ambry Variant Classification Scheme 2023. Collection method: clinical testing. Allele origin: germline.
Comment: The c.1179dupC variant, located in coding exon 9 of the SMAD3 gene, results from a duplication of C at nucleotide position 1179, causing a translational frameshift with a predicted alternate stop codon (p.C394Lfs*4). This alteration occurs at the 3' terminus of theSMAD3 gene, is not expected to trigger nonsense-mediated mRNA decay, and impacts the last 7.5% of the protein. However, premature stop codons are typically deleterious in nature, and the impacted region is critical for protein function (Ambry internal data). This variant has been detected in individuals and cohorts with features consistent with SMAD3-related Loeys-Dietz syndrome (Aubart M et al. PLoS One, 2014 May;9:e96387; Overwater E et al. Hum Mutat, 2018 Sep;39:1173-1192; Hostetler EM et al. J Med Genet, 2019 Apr;56:252-260; Carss KJ et al. Circ Genom Precis Med, 2020 Dec;13:e003030; Ambry internal data). This variant is considered to be rare based on population cohorts in the Genome Aggregation Database (gnomAD). Based on the majority of available evidence to date, this variant is likely to be pathogenic.

Literature cited by the submitters: PubMed 24804794 (cited by Labcorp Genetics (formerly Invitae), Labcorp and Ambry Genetics); PubMed 33125268 (cited by Labcorp Genetics (formerly Invitae), Labcorp and Ambry Genetics); PubMed 23139211 (cited by Labcorp Genetics (formerly Invitae), Labcorp); PubMed 29907982 (cited by Ambry Genetics); PubMed 30661052 (cited by Ambry Genetics).